The following is an entry in ClinVar:

NM_001385012.1(NBEA):c.6967G>T (p.Val2323Leu)

Gene: NBEA (neurobeachin; plus strand). Cytogenetic location: 13q13.3.
Variant type: single nucleotide variant.
Coding change: c.6967G>T on transcript NM_001385012.1 (MANE Select); coding-DNA position 6967, G replaced by T.
Protein change: p.Val2323Leu; replaces valine 2323 with leucine.
Molecular consequence: missense variant.
Genome position (GRCh38, 1-based): chr13:35,566,949, G>T. VCF-style: chr13-35566949-G-T. GRCh37 (hg19) VCF-style: chr13-36141086-G-T.
Other names: c.346G>T, p.Val116Leu (NM_001204197.3); c.6958G>T, p.Val2320Leu (NM_001379245.1); c.6967G>T, p.Val2323Leu (NM_015678.5); short protein forms V116L, V2320L, V2323L.
Identifiers: ClinVar variation 4882927 (VCV004882927.2).

ClinVar aggregate classification (germline): Uncertain significance (1 of 4 stars; one submission).

Submission:

Dasa
Classification: Uncertain significance. Last evaluated: 2025-09-19. Review status: criteria provided, single submitter. Criteria: DASA Assertion Criteria. Collection method: clinical testing. Allele origin: germline.
Comment: NM_001385012.1(NBEA):c.6967G>T (p.Val2323Leu) is a missense variant that results in the substitution of valine with leucine. This variant is absent from population databases. The currently available literature and clinical evidence are not sufficient to establish a definitive association between this variant and the reported condition. Therefore, this variant is classified as a variant of uncertain significance.